The following is an entry in ClinVar:

ClinVar aggregate classification (germline): Uncertain significance. Review status: criteria provided, multiple submitters, no conflicts (2 of 4 stars). 3 submissions from 3 submitters: Uncertain significance (3). Last evaluated 2025-04-29.

Conditions:
Carney complex, type 1 (CNC1). Also called: CARNEY MYXOMA-ENDOCRINE COMPLEX; CARNEY COMPLEX, TYPE I. Identifiers: Orphanet 1359, MedGen C2607929, MONDO:0008057, OMIM 160980.
Pigmented nodular adrenocortical disease, primary, 1 (PPNAD1). Also called: ADRENOCORTICAL NODULAR DYSPLASIA, PRIMARY; CUSHING SYNDROME, ADRENAL, DUE TO PPNAD1; PIGMENTED MICRONODULAR ADRENOCORTICAL DISEASE, PRIMARY, 1. Identifiers: Orphanet 189439, MedGen C1864846, MONDO:0012509, OMIM 610489.
Acrodysostosis 1 with or without hormone resistance (ACRDYS1). Also called: ACRODYSOSTOSIS 1 WITH HORMONE RESISTANCE; ACRODYSOSTOSIS 1 WITHOUT HORMONE RESISTANCE; ACRODYSOSTOSIS WITH HORMONE RESISTANCE. Identifiers: Orphanet 280651, MedGen C3276228, MONDO:0007044, OMIM 101800.
Familial atrial myxoma. Identifiers: Orphanet 615, MedGen C2931787, MONDO:0009719, OMIM 255960.
Hereditary cancer-predisposing syndrome. Also called: Neoplastic Syndromes, Hereditary; Hereditary Cancer Syndrome; Hereditary neoplastic syndrome; Tumor predisposition. Identifiers: Orphanet 140162, MedGen C0027672, MeSH D009386, MONDO:0015356.

Allele frequency attached by ClinVar (database versions not stated): gnomAD exomes below 0.00001.
gnomAD v4.1: 1 of 1,613,722 alleles (0.000062%); highest among the groups gnomAD compares: Non-Finnish European, 0.000085%; no homozygotes.

Submissions (3):

Labcorp Genetics (formerly Invitae), Labcorp
Classification: Uncertain significance for Carney complex, type 1. Last evaluated: 2025-04-29. Review status: criteria provided, single submitter. Criteria: Invitae Variant Classification Sherloc (09022015). Collection method: clinical testing. Allele origin: germline.
Comment: This sequence change replaces valine, which is neutral and non-polar, with isoleucine, which is neutral and non-polar, at codon 184 of the PRKAR1A protein (p.Val184Ile). This variant is not present in population databases (gnomAD no frequency). This missense change has been observed in individual(s) with Carney complex and /or primary pigmented nodular adrenocortical disease (PMID: 19293268). ClinVar contains an entry for this variant (Variation ID: 1423807). Invitae Evidence Modeling of protein sequence and biophysical properties (such as structural, functional, and spatial information, amino acid conservation, physicochemical variation, residue mobility, and thermodynamic stability) indicates that this missense variant is not expected to disrupt PRKAR1A protein function with a negative predictive value of 95%. In summary, the available evidence is currently insufficient to determine the role of this variant in disease. Therefore, it has been classified as a Variant of Uncertain Significance.

Ambry Genetics
Classification: Uncertain significance for Hereditary cancer-predisposing syndrome. Last evaluated: 2024-09-30. Review status: criteria provided, single submitter. Criteria: Ambry Variant Classification Scheme 2023. Collection method: clinical testing. Allele origin: germline.
Comment: The p.V184I variant (also known as c.550G>A), located in coding exon 6 of the PRKAR1A gene, results from a G to A substitution at nucleotide position 550. This variant impacts the first base pair of coding exon 6. The valine at codon 184 is replaced by isoleucine, an amino acid with highly similar properties. This amino acid position is highly conserved in available vertebrate species. In addition, the in silico prediction for this alteration is inconclusive. Based on the available evidence, the clinical significance of this variant remains unclear.

Fulgent Genetics
Classification: Uncertain significance for Acrodysostosis 1 with or without hormone resistance; Carney complex, type 1; Familial atrial myxoma; Pigmented nodular adrenocortical disease, primary, 1. Last evaluated: 2021-08-03. Review status: criteria provided, single submitter. Criteria: ACMG Guidelines, 2015. Collection method: clinical testing. Allele origin: unknown.

Literature cited by the submitters: PubMed 19293268 (cited by Labcorp Genetics (formerly Invitae), Labcorp and Ambry Genetics).

NM_002734.5(PRKAR1A):c.550G>A (p.Val184Ile)

Gene: PRKAR1A (protein kinase cAMP-dependent type I regulatory subunit alpha; plus strand). Cytogenetic location: 17q24.2.
Variant type: single nucleotide variant.
Coding change: c.550G>A on transcript NM_002734.5 (MANE Select); coding-DNA position 550, G replaced by A.
Protein change: p.Val184Ile; replaces valine 184 with isoleucine.
Molecular consequence: missense variant.
Genome position (GRCh38, 1-based): chr17:68,525,754, G>A. VCF-style: chr17-68525754-G-A. GRCh37 (hg19) VCF-style: chr17-66521895-G-A.
Other names: c.550G>A, p.Val184Ile (NM_001276289.2, NM_001276290.1, NM_001278433.2 and 4 more transcripts); c.550G>A (NM_002734.3); short protein forms V184I.
Identifiers: ClinVar variation 1423807 (VCV001423807.8), dbSNP rs773162575, ClinGen allele CA293291297.
Genomic context (GRCh38, chr17:68,525,754, plus strand): 5'-TTTAACATTTAAGTGTTTGTATCTAGAAAATAAACTTTTTTGATGTCACTTGCACTTTAG[G>A]TCTATGTTAACAATGAATGGGCAACCAGTGTTGGGGAAGGAGGGAGCTTTGGAGAACTTG-3'
Protein context (NP_002725.1, residues 174-194): FYVIDQGETD[Val184Ile]YVNNEWATSV